The following is an entry in ClinVar:

ClinVar aggregate classification (germline): Conflicting classifications of pathogenicity. Review status: criteria provided, conflicting classifications (1 of 4 stars). 3 submissions from 3 submitters: Uncertain significance (1); Likely benign (2). Last evaluated 2026-08-01.

Allele frequency attached by ClinVar (database versions not stated): ExAC 0.00002; TOPMed 0.00002; gnomAD exomes 0.00004; gnomAD 0.00007; ESP Exome Variant Server 0.00008.
gnomAD v4.1: 66 of 1,613,970 alleles (0.0041%); highest among the groups gnomAD compares: Non-Finnish European, 0.0053%; no homozygotes.

Submissions (3):

CeGaT Center for Human Genetics Tuebingen
Classification: Likely benign. Last evaluated: 2026-08-01. Review status: criteria provided, single submitter. Criteria: CeGaT Center For Human Genetics Tuebingen Variant Classification Criteria Version 2. Collection method: clinical testing. Allele origin: germline. Affected: yes. Observed: 2 variant alleles.
Comment: PPP2R5D: BS2

Labcorp Genetics (formerly Invitae), Labcorp
Classification: Uncertain significance. Last evaluated: 2025-07-31. Review status: criteria provided, single submitter. Criteria: Invitae Variant Classification Sherloc (09022015). Collection method: clinical testing. Allele origin: germline.
Comment: This sequence change replaces serine, which is neutral and polar, with leucine, which is neutral and non-polar, at codon 533 of the PPP2R5D protein (p.Ser533Leu). This variant is present in population databases (rs371525743, gnomAD 0.008%). This variant has not been reported in the literature in individuals affected with PPP2R5D-related conditions. ClinVar contains an entry for this variant (Variation ID: 1903018). An algorithm developed to predict the effect of missense changes on protein structure and function (PolyPhen-2) suggests that this variant is likely to be tolerated. In summary, the available evidence is currently insufficient to determine the role of this variant in disease. Therefore, it has been classified as a Variant of Uncertain Significance.

Blueprint Genetics
Classification: Likely benign. Last evaluated: 2024-06-13. Review status: criteria provided, single submitter. Criteria: ACMG Guidelines, 2015. Collection method: clinical testing. Allele origin: germline.

NM_006245.4(PPP2R5D):c.1598C>T (p.Ser533Leu)

Gene: PPP2R5D (protein phosphatase 2 regulatory subunit B'delta; plus strand). Cytogenetic location: 6p21.1.
Variant type: single nucleotide variant.
Coding change: c.1598C>T on transcript NM_006245.4 (MANE Select); coding-DNA position 1598, C replaced by T.
Protein change: p.Ser533Leu; replaces serine 533 with leucine.
Molecular consequence: missense variant.
Genome position (GRCh38, 1-based): chr6:43,010,924, C>T. VCF-style: chr6-43010924-C-T. GRCh37 (hg19) VCF-style: chr6-42978662-C-T.
Other names: c.1145C>T, p.Ser382Leu (NM_001270476.2); c.1502C>T, p.Ser501Leu (NM_180976.3); c.1280C>T, p.Ser427Leu (NM_180977.3); short protein forms S382L, S427L, S533L, S501L.
Identifiers: ClinVar variation 1903018 (VCV001903018.31), dbSNP rs371525743, ClinGen allele CA3812120.
Genomic context (GRCh38, chr6:43,010,924, plus strand): 5'-CATGTCTCCTCACTCAGTATCCCATGTTCCGAGCCCCTCCACCACTGCCCCCTGTGTACT[C>T]GATGGAGACAGAGACCCCCACAGCTGAGGACATCCAGCTTCTGAAGAGGACTGTGGAGAC-3'
Protein context (NP_006236.1, residues 523-543): RAPPPLPPVY[Ser533Leu]METETPTAED